The following is an entry in ClinVar:

NM_025179.4(PLXNA2):c.5438+4A>G

Gene: PLXNA2 (plexin A2; minus strand). Cytogenetic location: 1q32.2.
Variant type: single nucleotide variant.
Coding change: c.5438+4A>G on transcript NM_025179.4 (MANE Select); 4 bases into the intron after coding-DNA position 5438, A replaced by G.
Molecular consequence: intron variant.
Genome position (GRCh38, 1-based): chr1:208,028,826, T>C on the plus strand (A>G on the coding strand, the complement: PLXNA2 is on the minus strand). VCF-style: chr1-208028826-T-C. GRCh37 (hg19) VCF-style: chr1-208202171-T-C.
Identifiers: ClinVar variation 1470500 (VCV001470500.6), dbSNP rs1280388664, ClinGen allele CA730710157.

ClinVar aggregate classification (germline): Uncertain significance (1 of 4 stars; one submission).

Allele frequency attached by ClinVar (database versions not stated): TOPMed below 0.00001.

Submission:

Labcorp Genetics (formerly Invitae), Labcorp
Classification: Uncertain significance. Last evaluated: 2024-02-23. Review status: criteria provided, single submitter. Criteria: Invitae Variant Classification Sherloc (09022015). Collection method: clinical testing. Allele origin: germline.
Comment: This sequence change falls in intron 30 of the PLXNA2 gene. It does not directly change the encoded amino acid sequence of the PLXNA2 protein. It affects a nucleotide within the consensus splice site. This variant is not present in population databases (gnomAD no frequency). This variant has not been reported in the literature in individuals affected with PLXNA2-related conditions. ClinVar contains an entry for this variant (Variation ID: 1470500). Variants that disrupt the consensus splice site are a relatively common cause of aberrant splicing (PMID: 17576681, 9536098). Algorithms developed to predict the effect of sequence changes on RNA splicing suggest that this variant is not likely to affect RNA splicing. In summary, the available evidence is currently insufficient to determine the role of this variant in disease. Therefore, it has been classified as a Variant of Uncertain Significance.

Literature cited by the submitters: PubMed 17576681; PubMed 9536098.